The following is an entry in ClinVar:

NM_001375405.1(CEP120):c.1621A>G (p.Ser541Gly)

Gene: CEP120 (centrosomal protein 120; minus strand). Cytogenetic location: 5q23.2.
Variant type: single nucleotide variant.
Coding change: c.1621A>G on transcript NM_001375405.1 (MANE Select); coding-DNA position 1621, A replaced by G.
Protein change: p.Ser541Gly; replaces serine 541 with glycine.
Molecular consequence: missense variant. On other transcripts: non-coding transcript variant (1).
Genome position (GRCh38, 1-based): chr5:123,385,093, T>C on the plus strand (A>G on the coding strand, the complement: CEP120 is on the minus strand). VCF-style: chr5-123385093-T-C. GRCh37 (hg19) VCF-style: chr5-122720787-T-C.
Other names: c.1543A>G, p.Ser515Gly (NM_001166226.2); c.1486A>G, p.Ser496Gly (NM_001375406.1); c.1621A>G, p.Ser541Gly (NM_001375407.1, NM_153223.4); c.1048A>G, p.Ser350Gly (NM_001375408.1, NM_001375409.1); short protein forms S350G, S496G, S515G, S541G.
Identifiers: ClinVar variation 1017871 (VCV001017871.8), dbSNP rs1771927226, ClinGen allele CA360902784.

ClinVar aggregate classification (germline): Uncertain significance (1 of 4 stars; one submission).

Conditions:
Short-rib thoracic dysplasia 13 with or without polydactyly (SRTD13). Identifiers: Orphanet 474, MedGen C4225378, MONDO:0014577, OMIM 616300.

Allele frequency attached by ClinVar (database versions not stated): gnomAD exomes below 0.00001; TOPMed below 0.00001.
gnomAD v4.1: 2 of 1,613,632 alleles (0.00012%); highest among the groups gnomAD compares: Non-Finnish European, 0.00017%; no homozygotes.

Submission:

Labcorp Genetics (formerly Invitae), Labcorp
Classification: Uncertain significance for Short-rib thoracic dysplasia 13 with or without polydactyly. Last evaluated: 2020-10-01. Review status: criteria provided, single submitter. Criteria: Invitae Variant Classification Sherloc (09022015). Collection method: clinical testing. Allele origin: germline.
Comment: This sequence change replaces serine with glycine at codon 541 of the CEP120 protein (p.Ser541Gly). The serine residue is highly conserved and there is a small physicochemical difference between serine and glycine. In summary, the available evidence is currently insufficient to determine the role of this variant in disease. Therefore, it has been classified as a Variant of Uncertain Significance. Algorithms developed to predict the effect of missense changes on protein structure and function are either unavailable or do not agree on the potential impact of this missense change (SIFT: "Deleterious"; PolyPhen-2: "Benign"; Align-GVGD: "Class C0"). This variant has not been reported in the literature in individuals with CEP120-related conditions. This variant is not present in population databases (ExAC no frequency).